The following is an entry in ClinVar:

ClinVar aggregate classification (germline): Likely pathogenic. Review status: criteria provided, multiple submitters, no conflicts (2 of 4 stars). 2 submissions from 2 submitters: Likely pathogenic (2). Last evaluated 2024-03-11.

Conditions:
Primary ciliary dyskinesia. Also called: Ciliary dyskinesia. Identifiers: Orphanet 244, MedGen C0008780, MONDO:0016575, HP:0012265.

Allele frequency attached by ClinVar (database versions not stated): gnomAD 0.00001.

Submissions (2):

Natera, Inc.
Classification: Likely pathogenic for Primary ciliary dyskinesia. Last evaluated: 2024-03-11. Review status: criteria provided, single submitter. Criteria: Natera Variant Classification Schema (03/2026). Collection method: clinical testing. Allele origin: germline.
Comment: The c.1402-1G>A variant in DNAI1 is a canonical splice acceptor site variant predicted to affect pre-mRNA splicing, which may result in an abnormal transcript and altered protein product. This variant is expected to result in nonsense mediated decay, truncation, or a dysfunctional protein product. This variant is rare in the general population with a frequency below the threshold expected for the associated phenotype(s). Given the available evidence, this variant is classified as Likely Pathogenic.

Labcorp Genetics (formerly Invitae), Labcorp
Classification: Likely pathogenic for Primary ciliary dyskinesia. Last evaluated: 2018-10-14. Review status: criteria provided, single submitter. Criteria: Invitae Variant Classification Sherloc (09022015). Collection method: clinical testing. Allele origin: germline.
Comment: This variant is not present in population databases (ExAC no frequency). This sequence change affects an acceptor splice site in intron 14 of the DNAI1 gene. It is expected to disrupt RNA splicing and likely results in an absent or disrupted protein product. This variant has not been reported in the literature in individuals with DNAI1-related disease. Algorithms developed to predict the effect of sequence changes on RNA splicing suggest that this variant may disrupt the consensus splice site, but this prediction has not been confirmed by published transcriptional studies. Donor and acceptor splice site variants typically lead to a loss of protein function (PMID: 16199547), and loss-of-function variants in DNAI1 are known to be pathogenic (PMID: 16858015). In summary, the currently available evidence indicates that the variant is pathogenic, but additional data are needed to prove that conclusively. Therefore, this variant has been classified as Likely Pathogenic.

Literature cited by the submitters: PubMed 16199547 (cited by Labcorp Genetics (formerly Invitae), Labcorp); PubMed 16858015 (cited by Labcorp Genetics (formerly Invitae), Labcorp).

NM_012144.4(DNAI1):c.1402-1G>A

Gene: DNAI1 (dynein axonemal intermediate chain 1; plus strand). Cytogenetic location: 9p13.3.
Variant type: single nucleotide variant.
Coding change: c.1402-1G>A on transcript NM_012144.4 (MANE Select); the canonical splice acceptor site of the intron before coding-DNA position 1402, G replaced by A.
Molecular consequence: splice acceptor variant.
Genome position (GRCh38, 1-based): chr9:34,512,336, G>A. VCF-style: chr9-34512336-G-A. GRCh37 (hg19) VCF-style: chr9-34512334-G-A.
Other names: c.1414-1G>A (NM_001281428.2).
Identifiers: ClinVar variation 642157 (VCV000642157.8), dbSNP rs1587089935, ClinGen allele CA373260765.